The following is an entry in ClinVar:

NM_030962.4(SBF2):c.910G>C (p.Glu304Gln)

Gene: SBF2 (SET binding factor 2; minus strand). Cytogenetic location: 11p15.4.
Variant type: single nucleotide variant.
Coding change: c.910G>C on transcript NM_030962.4 (MANE Select); coding-DNA position 910, G replaced by C.
Protein change: p.Glu304Gln; replaces glutamic acid 304 with glutamine.
Molecular consequence: missense variant.
Genome position (GRCh38, 1-based): chr11:9,998,331, C>G on the plus strand (G>C on the coding strand, the complement: SBF2 is on the minus strand). VCF-style: chr11-9998331-C-G. GRCh37 (hg19) VCF-style: chr11-10019878-C-G.
Other names: c.910G>C, p.Glu304Gln (NM_001386339.1, NM_001386342.1); short protein forms E304Q.
Identifiers: ClinVar variation 1447006 (VCV001447006.6), dbSNP rs781039677, ClinGen allele CA5881972.

ClinVar aggregate classification (germline): Uncertain significance (1 of 4 stars; one submission).

Conditions:
Charcot-Marie-Tooth disease type 4. Also called: Charcot-Marie-Tooth disease, type IV; Charcot-Marie-Tooth, Type 4. Identifiers: Orphanet 64749, MedGen C4082197, MONDO:0018995.

gnomAD v4.1: 5 of 1,609,476 alleles (0.00031%); highest among the groups gnomAD compares: Admixed American, 0.0017%; no homozygotes.

Submission:

Labcorp Genetics (formerly Invitae), Labcorp
Classification: Uncertain significance for Charcot-Marie-Tooth disease type 4. Last evaluated: 2022-02-10. Review status: criteria provided, single submitter. Criteria: Invitae Variant Classification Sherloc (09022015). Collection method: clinical testing. Allele origin: germline.
Comment: Algorithms developed to predict the effect of missense changes on protein structure and function are either unavailable or do not agree on the potential impact of this missense change (SIFT: "Deleterious"; PolyPhen-2: "Benign"; Align-GVGD: "Class C0"). In summary, the available evidence is currently insufficient to determine the role of this variant in disease. Therefore, it has been classified as a Variant of Uncertain Significance. This variant has not been reported in the literature in individuals affected with SBF2-related conditions. This variant is present in population databases (rs781039677, gnomAD 0.003%). This sequence change replaces glutamic acid, which is acidic and polar, with glutamine, which is neutral and polar, at codon 304 of the SBF2 protein (p.Glu304Gln).